The following is an entry in ClinVar:

ClinVar aggregate classification (germline): Uncertain significance (1 of 4 stars; one submission).

Allele frequency attached by ClinVar (database versions not stated): TOPMed 0.00003; gnomAD 0.00004.

Submission:

Labcorp Genetics (formerly Invitae), Labcorp
Classification: Uncertain significance. Last evaluated: 2023-05-22. Review status: criteria provided, single submitter. Criteria: Invitae Variant Classification Sherloc (09022015). Collection method: clinical testing. Allele origin: germline.
Comment: In summary, the available evidence is currently insufficient to determine the role of this variant in disease. Therefore, it has been classified as a Variant of Uncertain Significance. Experimental studies and prediction algorithms are not available or were not evaluated, and the functional significance of this variant is currently unknown. This variant has not been reported in the literature in individuals affected with FOXI3-related conditions. This variant is present in population databases (no rsID available, gnomAD 0.01%). This sequence change replaces proline, which is neutral and non-polar, with serine, which is neutral and polar, at codon 15 of the FOXI3 protein (p.Pro15Ser).

NM_001135649.3(FOXI3):c.43C>T (p.Pro15Ser)

Gene: FOXI3 (forkhead box I3; minus strand). Cytogenetic location: 2p11.2.
Variant type: single nucleotide variant.
Coding change: c.43C>T on transcript NM_001135649.3 (MANE Select); coding-DNA position 43, C replaced by T.
Protein change: p.Pro15Ser; replaces proline 15 with serine.
Molecular consequence: missense variant.
Genome position (GRCh38, 1-based): chr2:88,452,493, G>A on the plus strand (C>T on the coding strand, the complement: FOXI3 is on the minus strand). VCF-style: chr2-88452493-G-A. GRCh37 (hg19) VCF-style: chr2-88752011-G-A.
Other names: short protein forms P15S.
Identifiers: ClinVar variation 3019833 (VCV003019833.3), dbSNP rs1298246013, ClinGen allele CA347767167.
Genomic context (GRCh38, chr2:88,452,493, plus strand): 5'-CCCTGGCTGCCGGGGGGGCGCCCGGGGCGGCGGCGGTGGCGGCGGGCGGGGGCAGGCCGG[G>A]CTGCGAATACACTCCGAAGTTGTCGCCGCAGTAGAGGGCCATGTCGGCGGCCGTGGGCGG-3'
Protein context (NP_001129121.1, residues 5-25): CGDNFGVYSQ[Pro15Ser]GLPPPAATAA